The following is an entry in ClinVar:

NM_181882.3(PRX):c.805C>T (p.His269Tyr)

Gene: PRX (periaxin; minus strand). Cytogenetic location: 19q13.2.
Variant type: single nucleotide variant.
Coding change: c.805C>T on transcript NM_181882.3 (MANE Select); coding-DNA position 805, C replaced by T.
Protein change: p.His269Tyr; replaces histidine 269 with tyrosine.
Molecular consequence: missense variant. On other transcripts: 3 prime UTR variant (1).
Genome position (GRCh38, 1-based): chr19:40,397,547, G>A on the plus strand (C>T on the coding strand, the complement: PRX is on the minus strand). VCF-style: chr19-40397547-G-A. GRCh37 (hg19) VCF-style: chr19-40903454-G-A.
Other names: c.1090C>T, p.His364Tyr (NM_001411127.1); c.*1010C>T (NM_020956.2); short protein forms H269Y, H364Y.
Identifiers: ClinVar variation 1948172 (VCV001948172.6), dbSNP rs2514808355, ClinGen allele CA405899649.
Genomic context (GRCh38, chr19:40,397,547, plus strand): 5'-CCACGGCTGGGGCCTCCACAGCAGGCGGAGCCGGGGCTCCGAGCCCAAGGGTTGGCAGGT[G>A]GAGGGCAAAGCCACCAGCTGCCTCTGCTGAGGGGGCAGCCTTGGGGGCTGAGACCTGGGG-3'
Protein context (NP_870998.2, residues 259-279): SAEAAGGFAL[His269Tyr]LPTLGLGAPA

ClinVar aggregate classification (germline): Uncertain significance. Review status: criteria provided, multiple submitters, no conflicts (2 of 4 stars). 2 submissions from 2 submitters: Uncertain significance (2). Last evaluated 2024-12-04.

Conditions:
Inborn genetic diseases. Identifiers: MedGen C0950123, MeSH D030342.
Charcot-Marie-Tooth disease type 4. Also called: Charcot-Marie-Tooth, Type 4; Charcot-Marie-Tooth disease, type IV. Identifiers: Orphanet 64749, MedGen C4082197, MONDO:0018995.

Allele frequency attached by ClinVar (database versions not stated): gnomAD exomes 0.00001.
gnomAD v4.1: 4 of 1,541,602 alleles (0.00026%); highest among the groups gnomAD compares: South Asian, 0.0036%; 1 homozygote.

Submissions (2):

Ambry Genetics
Classification: Uncertain significance for Inborn genetic diseases. Last evaluated: 2024-12-04. Review status: criteria provided, single submitter. Criteria: Ambry Variant Classification Scheme 2023. Collection method: clinical testing. Allele origin: germline.

Labcorp Genetics (formerly Invitae), Labcorp
Classification: Uncertain significance for Charcot-Marie-Tooth disease type 4. Last evaluated: 2022-08-21. Review status: criteria provided, single submitter. Criteria: Invitae Variant Classification Sherloc (09022015). Collection method: clinical testing. Allele origin: germline.
Comment: This variant has not been reported in the literature in individuals affected with PRX-related conditions. This sequence change replaces histidine, which is basic and polar, with tyrosine, which is neutral and polar, at codon 269 of the PRX protein (p.His269Tyr). This variant is not present in population databases (gnomAD no frequency). Algorithms developed to predict the effect of missense changes on protein structure and function are either unavailable or do not agree on the potential impact of this missense change (SIFT: "Tolerated"; PolyPhen-2: "Benign"; Align-GVGD: "Class C25"). In summary, the available evidence is currently insufficient to determine the role of this variant in disease. Therefore, it has been classified as a Variant of Uncertain Significance.